The following is an entry in ClinVar:

ClinVar aggregate classification (germline): Uncertain significance (1 of 4 stars; one submission).

Conditions:
Hereditary cancer-predisposing syndrome. Also called: Hereditary Cancer Syndrome; Tumor predisposition; Hereditary neoplastic syndrome; Neoplastic Syndromes, Hereditary. Identifiers: Orphanet 140162, MedGen C0027672, MeSH D009386, MONDO:0015356.
Cardiovascular phenotype. Identifiers: MedGen CN230736.

Submission:

Ambry Genetics
Classification: Uncertain significance for Cardiovascular phenotype; Hereditary cancer-predisposing syndrome. Last evaluated: 2024-11-16. Review status: criteria provided, single submitter. Criteria: Ambry Variant Classification Scheme 2023. Collection method: clinical testing. Allele origin: germline.
Comment: The p.V1743E variant (also known as c.5228T>A), located in coding exon 37 of the NF1 gene, results from a T to A substitution at nucleotide position 5228. The valine at codon 1743 is replaced by glutamic acid, an amino acid with dissimilar properties. This amino acid position is conserved. In addition, this alteration is predicted to be deleterious by in silico analysis. Based on the available evidence, the clinical significance of this variant remains unclear.

NM_001042492.3(NF1):c.5291T>A (p.Val1764Glu)

Gene: NF1 (neurofibromin 1; plus strand). Cytogenetic location: 17q11.2.
Variant type: single nucleotide variant.
Coding change: c.5291T>A on transcript NM_001042492.3 (MANE Select); coding-DNA position 5291, T replaced by A.
Protein change: p.Val1764Glu; replaces valine 1764 with glutamic acid.
Molecular consequence: missense variant.
Genome position (GRCh38, 1-based): chr17:31,327,521, T>A. VCF-style: chr17-31327521-T-A. GRCh37 (hg19) VCF-style: chr17-29654539-T-A.
Other names: c.5228T>A, p.Val1743Glu (NM_000267.4); short protein forms V1764E, V1743E.
Identifiers: ClinVar variation 3404923 (VCV003404923.1).